The following is an entry in ClinVar:

NM_020779.4(WDR35):c.3192A>G (p.Ala1064=)

Gene: WDR35 (WD repeat domain 35; minus strand). Cytogenetic location: 2p24.1.
Variant type: single nucleotide variant.
Coding change: c.3192A>G on transcript NM_020779.4 (MANE Select); coding-DNA position 3192, A replaced by G.
Protein change: p.Ala1064=; no amino-acid change (alanine 1064 retained).
Molecular consequence: synonymous variant.
Genome position (GRCh38, 1-based): chr2:19,914,207, T>C on the plus strand (A>G on the coding strand, the complement: WDR35 is on the minus strand). VCF-style: chr2-19914207-T-C. GRCh37 (hg19) VCF-style: chr2-20113968-T-C.
Other names: c.3225A>G, p.Ala1075= (NM_001006657.2).
Identifiers: ClinVar variation 4874184 (VCV004874184.2).
Genomic context (GRCh38, chr2:19,914,207, plus strand): 5'-CTCTAAAGATTTAAGTTTAATGAAAGCTTTTGAACAAGTCCCAAAGGCTCTGCTGGCGCA[T>C]GCGCAGAGTGCTAGCAGAGAGTAGATCTCCACAGGAGGGATGATGTCTTCATAGTCTTTC-3'
Protein context (NP_065830.2, residues 1054-1074): VEIYSLLALC[Ala1064=]CASRAFGTCS

ClinVar aggregate classification (germline): Likely benign (1 of 4 stars; one submission).

gnomAD v4.1: 4 of 1,614,082 alleles (0.00025%); highest among the groups gnomAD compares: Admixed American, 0.0017%; no homozygotes.

Submission:

CeGaT Center for Human Genetics Tuebingen
Classification: Likely benign. Last evaluated: 2026-06-01. Review status: criteria provided, single submitter. Criteria: CeGaT Center For Human Genetics Tuebingen Variant Classification Criteria Version 2. Collection method: clinical testing. Allele origin: germline. Affected: yes. Observed: 1 variant allele.
Comment: WDR35: BP4, BP7